The following is an entry in ClinVar:

NM_024675.4(PALB2):c.1126del (p.Ser376fs)

Gene: PALB2 (partner and localizer of BRCA2; minus strand). Cytogenetic location: 16p12.2.
Variant type: Deletion.
Coding change: c.1126del on transcript NM_024675.4 (MANE Select); coding-DNA position 1126, one base deleted (A; older notation c.1126delA).
Protein change: p.Ser376fs; shifts the reading frame from serine 376.
Molecular consequence: frameshift variant.
Genome position (GRCh38, 1-based): chr16:23,635,420, T deleted on the plus strand (A on the coding strand, the reverse complement: PALB2 is on the minus strand); the first of 2 consecutive T bases (chr16:23,635,420-23,635,421); deleting either gives the same sequence. VCF-style (leftmost placement, unchanged base first): chr16-23635419-CT-C. GRCh37 (hg19) VCF-style: chr16-23646740-CT-C.
Other names: c.1126delA (NM_024675.3); short protein forms S376fs.
Identifiers: ClinVar variation 1329939 (VCV001329939.3), dbSNP rs2142425187, ClinGen allele CA2573054200.

ClinVar aggregate classification (germline): Pathogenic/Likely pathogenic. Review status: criteria provided, multiple submitters, no conflicts (2 of 4 stars). 2 submissions from 2 submitters: Pathogenic (1); Likely pathogenic (1). Last evaluated 2026-01-02.

Conditions:
Hereditary cancer-predisposing syndrome. Also called: Hereditary neoplastic syndrome; Tumor predisposition; Neoplastic Syndromes, Hereditary; Hereditary Cancer Syndrome. Identifiers: Orphanet 140162, MedGen C0027672, MeSH D009386, MONDO:0015356.
Familial cancer of breast. Also called: Hereditary breast cancer; hereditary breast carcinoma; BREAST CANCER, FAMILIAL. Identifiers: Orphanet 227535, MedGen C0346153, MONDO:0016419, OMIM 114480. Disease mechanism: loss of function.

Submissions (2):

Ambry Genetics
Classification: Pathogenic for Hereditary cancer-predisposing syndrome. Last evaluated: 2026-01-02. Review status: criteria provided, single submitter. Criteria: Ambry Variant Classification Scheme 2023. Collection method: clinical testing. Allele origin: germline.
Comment: The c.1126delA pathogenic mutation, located in coding exon 4 of the PALB2 gene, results from a deletion of one nucleotide at nucleotide position 1126, causing a translational frameshift with a predicted alternate stop codon (p.S376Vfs*48). This variant is considered to be rare based on population cohorts in the Genome Aggregation Database (gnomAD). This alteration is expected to result in loss of function by premature protein truncation or nonsense-mediated mRNA decay. As such, this alteration is interpreted as a disease-causing mutation.

Institute of Human Genetics, University of Leipzig Medical Center
Classification: Likely pathogenic for Familial cancer of breast. Last evaluated: 2021-12-23. Review status: criteria provided, single submitter. Criteria: ACMG Guidelines, 2015. Collection method: clinical testing. Allele origin: unknown. Affected: yes.
Comment: _x000D_ Criteria applied: PVS1, PM2_SUP